The following is an entry in ClinVar:

NM_001367624.2(ZNF469):c.8869G>A (p.Gly2957Ser)

Gene: ZNF469 (zinc finger protein 469; plus strand). Cytogenetic location: 16q24.2.
Variant type: single nucleotide variant.
Coding change: c.8869G>A on transcript NM_001367624.2 (MANE Select); coding-DNA position 8869, G replaced by A.
Protein change: p.Gly2957Ser; replaces glycine 2957 with serine.
Molecular consequence: missense variant.
Genome position (GRCh38, 1-based): chr16:88,436,339, G>A. VCF-style: chr16-88436339-G-A. GRCh37 (hg19) VCF-style: chr16-88502747-G-A.
Other names: NM_001127464.1:c.8785G>A; NM_001127464.2:c.8785G>A; short protein forms G2957S.
Identifiers: ClinVar variation 320998 (VCV000320998.20), dbSNP rs573884006, ClinGen allele CA8225386.

ClinVar aggregate classification (germline): Conflicting classifications of pathogenicity. Review status: criteria provided, conflicting classifications (1 of 4 stars). 6 submissions from 6 submitters: Uncertain significance (1); Benign (1); Likely benign (4). Last evaluated 2026-01-28.

Conditions:
Cardiovascular phenotype. Identifiers: MedGen CN230736.
Ehlers-Danlos syndrome (EDS). Identifiers: Orphanet 98249, MedGen C0013720, MONDO:0020066.

Allele frequency attached by ClinVar (database versions not stated): gnomAD exomes 0.00055; ExAC 0.00081; 1000 Genomes Project 30x 0.00141; 1000 Genomes Project 0.00160; gnomAD 0.00244 and 0.00266; TOPMed 0.00265.
gnomAD v4.1: 836 of 1,549,546 alleles (0.054%); highest among the groups gnomAD compares: African/African-American, 0.9%; 7 homozygotes.

Submissions (6):

Labcorp Genetics (formerly Invitae), Labcorp
Classification: Benign. Last evaluated: 2026-01-28. Review status: criteria provided, single submitter. Criteria: Invitae Variant Classification Sherloc (09022015). Collection method: clinical testing. Allele origin: germline.

Women's Health and Genetics/Laboratory Corporation of America, LabCorp
Classification: Likely benign. Last evaluated: 2025-12-29. Review status: criteria provided, single submitter. Criteria: LabCorp Variant Classification Summary - May 2015. Collection method: clinical testing. Allele origin: germline.
Comment: Variant summary: ZNF469 c.8869G>A (p.Gly2957Ser) results in a non-conservative amino acid change in the encoded protein sequence. Algorithms developed to predict the effect of missense changes on protein structure and function are either unavailable or do not agree on the potential impact of this missense change. The variant allele was found at a frequency of 0.00055 in 149490 control chromosomes, predominantly at a frequency of 0.0073 within the African or African-American subpopulation in the gnomAD database. The observed variant frequency within African or African-American control individuals in the gnomAD database exceeds the estimated maximal expected allele frequency for disease-causing variants in ZNF469. To our knowledge, no occurrence of c.8869G>A in individuals affected with ZNF469-related conditions and no experimental evidence demonstrating its impact on protein function have been reported. ClinVar contains an entry for this variant (Variation ID: 320998). Based on the evidence outlined above, the variant was classified as likely benign.

Blueprint Genetics
Classification: Likely benign. Last evaluated: 2024-11-26. Review status: criteria provided, single submitter. Criteria: ACMG Guidelines, 2015. Collection method: clinical testing. Allele origin: germline.

Genome Diagnostics Laboratory, The Hospital for Sick Children
Classification: Uncertain significance for Ehlers-Danlos syndrome. Last evaluated: 2021-12-22. Review status: criteria provided, single submitter. Criteria: ACMG Guidelines, 2015. Collection method: clinical testing. Allele origin: germline.

Ambry Genetics
Classification: Likely benign for Cardiovascular phenotype. Last evaluated: 2021-08-13. Review status: criteria provided, single submitter. Criteria: Ambry Variant Classification Scheme 2023. Collection method: clinical testing. Allele origin: germline.

GeneDx
Classification: Likely benign. Last evaluated: 2020-05-20. Review status: criteria provided, single submitter. Criteria: GeneDx Variant Classification Process June 2021. Collection method: clinical testing. Allele origin: germline. Affected: yes.